The following is an entry in ClinVar:

NM_001256071.3(RNF213):c.2763C>G (p.Asn921Lys)

Gene: RNF213 (ring finger protein 213; plus strand). Cytogenetic location: 17q25.3.
Variant type: single nucleotide variant.
Coding change: c.2763C>G on transcript NM_001256071.3 (MANE Select); coding-DNA position 2763, C replaced by G.
Protein change: p.Asn921Lys; replaces asparagine 921 with lysine.
Molecular consequence: missense variant.
Genome position (GRCh38, 1-based): chr17:80,313,119, C>G. VCF-style: chr17-80313119-C-G. GRCh37 (hg19) VCF-style: chr17-78286919-C-G.
Other names: p.Asn921Lys; c.2910C>G, p.Asn970Lys (NM_001410195.1, NM_020914.5); c.2763C>G, p.Asn921Lys (NM_020954.4); short protein forms N970K, N921K.
Identifiers: ClinVar variation 4542230 (VCV004542230.2).

ClinVar aggregate classification (germline): Conflicting classifications of pathogenicity. Review status: criteria provided, conflicting classifications (1 of 4 stars). 2 submissions from 2 submitters: Uncertain significance (1); Likely benign (1). Last evaluated 2025-10-28.

gnomAD v4.1: 540 of 1,614,026 alleles (0.033%); highest among the groups gnomAD compares: Non-Finnish European, 0.041%; no homozygotes.

Submissions (2):

Mayo Clinic Laboratories, Mayo Clinic
Classification: Uncertain significance. Last evaluated: 2025-10-28. Review status: criteria provided, single submitter. Criteria: ACMG Guidelines, 2015. Collection method: clinical testing. Allele origin: germline. Observed: 1 variant allele.
Comment: BP4_moderate

Labcorp Genetics (formerly Invitae), Labcorp
Classification: Likely benign. Last evaluated: 2025-09-21. Review status: criteria provided, single submitter. Criteria: Invitae Variant Classification Sherloc (09022015). Collection method: clinical testing. Allele origin: germline.